The following is an entry in ClinVar:

ClinVar aggregate classification (germline): Uncertain significance (1 of 4 stars; one submission).

Allele frequency attached by ClinVar (database versions not stated): gnomAD exomes 0.00012 and 0.00004; 1000 Genomes Project 30x 0.00016; 1000 Genomes Project 0.00020; ExAC 0.00004; TOPMed 0.00004; gnomAD 0.00005.
gnomAD v4.1: 185 of 1,596,342 alleles (0.012%); highest among the groups gnomAD compares: Non-Finnish European, 0.015%; no homozygotes.

Submission:

Labcorp Genetics (formerly Invitae), Labcorp
Classification: Uncertain significance. Last evaluated: 2023-08-30. Review status: criteria provided, single submitter. Criteria: Invitae Variant Classification Sherloc (09022015). Collection method: clinical testing. Allele origin: germline.
Comment: This sequence change falls in intron 17 of the TONSL gene. It does not directly change the encoded amino acid sequence of the TONSL protein. It affects a nucleotide within the consensus splice site. This variant is present in population databases (rs574601150, gnomAD 0.007%). This variant has not been reported in the literature in individuals affected with TONSL-related conditions. ClinVar contains an entry for this variant (Variation ID: 1377438). Variants that disrupt the consensus splice site are a relatively common cause of aberrant splicing (PMID: 17576681, 9536098). Algorithms developed to predict the effect of sequence changes on RNA splicing suggest that this variant may disrupt the consensus splice site. In summary, the available evidence is currently insufficient to determine the role of this variant in disease. Therefore, it has been classified as a Variant of Uncertain Significance.

Literature cited by the submitters: PubMed 17576681; PubMed 9536098.

NM_013432.5(TONSL):c.2775+4G>C

Genes: TONSL (tonsoku like, DNA repair protein; minus strand), TONSL-AS1 (TONSL antisense RNA 1; plus strand). Cytogenetic location: 8q24.3.
Variant type: single nucleotide variant.
Coding change: c.2775+4G>C on transcript NM_013432.5 (MANE Select); 4 bases into the intron after coding-DNA position 2775, G replaced by C.
Molecular consequence: intron variant.
Genome position (GRCh38, 1-based): chr8:144,435,654, C>G on the plus strand (G>C on the coding strand, the complement: TONSL is on the minus strand). VCF-style: chr8-144435654-C-G. GRCh37 (hg19) VCF-style: chr8-145661037-C-G.
Identifiers: ClinVar variation 1377438 (VCV001377438.4), dbSNP rs574601150, ClinGen allele CA4942735.
Genomic context (GRCh38, chr8:144,435,654, plus strand): 5'-GCTCCACCCTACACCTGCCTGCCCGGAGTGGGGAGAGGGCTCTGCTCCAGGTCTGCATAC[C>G]CACCAAGGGCTGGCCTGCCGCAGAGCTGTCCCCACTGGGCTCTGAGACCCTGGGGGTGCT-3'